The following is an entry in ClinVar:

ClinVar aggregate classification (germline): Likely benign. Review status: criteria provided, multiple submitters, no conflicts (2 of 4 stars). 5 submissions from 5 submitters: Likely benign (5). Last evaluated 2024-07-06.

Conditions:
Cardiovascular phenotype. Identifiers: MedGen CN230736.
Cardiomyopathy (CMYO). Also called: Cardiomyopathies. Identifiers: Orphanet 167848, MedGen C0878544, MONDO:0004994, HP:0001638. Inheritance: Various modes of inheritance.
Hypertrophic cardiomyopathy. Also called: HYPERTROPHIC MYOCARDIOPATHY. Identifiers: Orphanet 217569, MedGen C0007194, MeSH D002312, MONDO:0005045, HP:0001639.

Allele frequency attached by ClinVar (database versions not stated): gnomAD 0.00001; gnomAD exomes 0.00001; ExAC 0.00002.

Submissions (5):

Ambry Genetics
Classification: Likely benign for Cardiovascular phenotype. Last evaluated: 2024-07-06. Review status: criteria provided, single submitter. Criteria: Ambry Variant Classification Scheme 2023. Collection method: clinical testing. Allele origin: germline.

Labcorp Genetics (formerly Invitae), Labcorp
Classification: Likely benign for Hypertrophic cardiomyopathy. Last evaluated: 2024-07-03. Review status: criteria provided, single submitter. Criteria: Invitae Variant Classification Sherloc (09022015). Collection method: clinical testing. Allele origin: germline.

All of Us Research Program, National Institutes of Health
Classification: Likely benign for Cardiomyopathy. Last evaluated: 2023-11-20. Review status: criteria provided, single submitter. Criteria: ACMG Guidelines, 2015. Collection method: clinical testing. Allele origin: germline. Inheritance: Autosomal dominant inheritance. Observed: 2 variant alleles, 2 heterozygotes.
Comment: This study involves interpretation of variants in research participants for the purpose of population health screening. Participant phenotype was not available at the time of variant classification. Additional details can be found in publication PMID: 35346344, PMCID: PMC8962531

CHEO Genetics Diagnostic Laboratory, Children's Hospital of Eastern Ontario
Classification: Likely benign for Cardiomyopathy. Last evaluated: 2021-03-05. Review status: criteria provided, single submitter. Criteria: ACMG Guidelines, 2015. Collection method: clinical testing. Allele origin: germline.

Color Diagnostics, LLC DBA Color Health
Classification: Likely benign for Cardiomyopathy. Last evaluated: 2020-09-28. Review status: criteria provided, single submitter. Criteria: ACMG Guidelines, 2015. Collection method: clinical testing. Allele origin: germline.

NM_000257.4(MYH7):c.2232G>A (p.Lys744=)

Gene: MYH7 (myosin heavy chain 7; minus strand). Cytogenetic location: 14q11.2.
Variant type: single nucleotide variant.
Coding change: c.2232G>A on transcript NM_000257.4 (MANE Select); coding-DNA position 2232, G replaced by A.
Protein change: p.Lys744=; no amino-acid change (lysine 744 retained).
Molecular consequence: synonymous variant.
Genome position (GRCh38, 1-based): chr14:23,425,749, C>T on the plus strand (G>A on the coding strand, the complement: MYH7 is on the minus strand). VCF-style: chr14-23425749-C-T. GRCh37 (hg19) VCF-style: chr14-23894958-C-T.
Identifiers: ClinVar variation 1171539 (VCV001171539.13), dbSNP rs747848184, ClinGen allele CA031829.
Genomic context (GRCh38, chr14:23,425,749, plus strand): 5'-CCTCACCTTGGTGTGGCCAAACTTGTACTGGTTGTGATCAATGTCCAGGGAGCTGAGCAG[C>T]TTCTCTGCCCCCTTCCTGCTATCAATGAACTGTCCCTCAGGGATGGCCGCTGGGTTCAGG-3'
Protein context (NP_000248.2, residues 734-754): QFIDSRKGAE[Lys744=]LLSSLDIDHN